The following is an entry in ClinVar:

ClinVar aggregate classification (germline): Likely benign. Review status: criteria provided, multiple submitters, no conflicts (2 of 4 stars). 5 submissions from 5 submitters: Likely benign (5). Last evaluated 2024-03-01.

Conditions:
Cardiovascular phenotype. Identifiers: MedGen CN230736.
Cardiomyopathy (CMYO). Also called: Cardiomyopathies. Identifiers: Orphanet 167848, MedGen C0878544, MONDO:0004994, HP:0001638. Inheritance: Various modes of inheritance.
Catecholaminergic polymorphic ventricular tachycardia 1. Also called: VENTRICULAR TACHYCARDIA, STRESS-INDUCED POLYMORPHIC 1; VENTRICULAR TACHYCARDIA, CATECHOLAMINERGIC POLYMORPHIC, 1, WITH OR WITHOUT ATRIAL DYSFUNCTION AND/OR DILATED CARDIOMYOPATHY; RYR2-Related Catecholaminergic Polymorphic Ventricular Tachycardia. Identifiers: Orphanet 3286, MedGen C1631597, MONDO:0011484, OMIM 604772.
Catecholaminergic polymorphic ventricular tachycardia (CVPT). Also called: Catecholamine-induced polymorphic ventricular tachycardia. Identifiers: Orphanet 3286, MedGen C5574922, MONDO:0017990.

Allele frequency attached by ClinVar (database versions not stated): gnomAD exomes below 0.00001; gnomAD 0.00001; TOPMed 0.00001.
gnomAD v4.1: 3 of 1,613,626 alleles (0.00019%); highest among the groups gnomAD compares: Non-Finnish European, 0.00025%; no homozygotes.

Submissions (5):

Ambry Genetics
Classification: Likely benign for Cardiovascular phenotype. Last evaluated: 2024-03-01. Review status: criteria provided, single submitter. Criteria: Ambry Variant Classification Scheme 2023. Collection method: clinical testing. Allele origin: germline.

Blueprint Genetics
Classification: Likely benign. Last evaluated: 2024-02-23. Review status: criteria provided, single submitter. Criteria: ACMG Guidelines, 2015. Collection method: clinical testing. Allele origin: germline.

All of Us Research Program, National Institutes of Health
Classification: Likely benign for Catecholaminergic polymorphic ventricular tachycardia. Last evaluated: 2023-10-06. Review status: criteria provided, single submitter. Criteria: ACMG Guidelines, 2015. Collection method: clinical testing. Allele origin: germline. Inheritance: Autosomal dominant inheritance. Observed: 1 variant allele, 1 heterozygote.
Comment: This study involves interpretation of variants in research participants for the purpose of population health screening. Participant phenotype was not available at the time of variant classification. Additional details can be found in publication PMID: 35346344, PMCID: PMC8962531

Labcorp Genetics (formerly Invitae), Labcorp
Classification: Likely benign for Catecholaminergic polymorphic ventricular tachycardia 1. Last evaluated: 2023-10-03. Review status: criteria provided, single submitter. Criteria: Invitae Variant Classification Sherloc (09022015). Collection method: clinical testing. Allele origin: germline.

Color Diagnostics, LLC DBA Color Health
Classification: Likely benign for Cardiomyopathy. Last evaluated: 2022-11-07. Review status: criteria provided, single submitter. Criteria: ACMG Guidelines, 2015. Collection method: clinical testing. Allele origin: germline.

NM_001035.3(RYR2):c.513A>G (p.Glu171=)

Gene: RYR2 (ryanodine receptor 2; plus strand). Cytogenetic location: 1q43.
Variant type: single nucleotide variant.
Coding change: c.513A>G on transcript NM_001035.3 (MANE Select); coding-DNA position 513, A replaced by G.
Protein change: p.Glu171=; no amino-acid change (glutamic acid 171 retained).
Molecular consequence: synonymous variant.
Genome position (GRCh38, 1-based): chr1:237,377,372, A>G. VCF-style: chr1-237377372-A-G. GRCh37 (hg19) VCF-style: chr1-237540672-A-G.
Other names: c.513A>G (NM_001035.2).
Identifiers: ClinVar variation 1576517 (VCV001576517.12), dbSNP rs923459089, ClinGen allele CA39774121.